The following is an entry in ClinVar:

NM_000059.4(BRCA2):c.5617del (p.Lys1872_Val1873insTer)

Gene: BRCA2 (BRCA2 DNA repair associated; plus strand). Cytogenetic location: 13q13.1.
Variant type: Deletion.
Coding change: c.5617del on transcript NM_000059.4 (MANE Select); coding-DNA position 5617, one base deleted (G; older notation c.5617delG).
Protein change: p.Lys1872_Val1873insTer.
Molecular consequence: nonsense. On other transcripts: non-coding transcript variant (1), intron variant (2).
Genome position (GRCh38, 1-based): chr13:32,339,972, G deleted. VCF-style (leftmost placement, unchanged base first): chr13-32339971-AG-A. GRCh37 (hg19) VCF-style: chr13-32914108-AG-A.
Other names: c.5617del, p.Lys1872_Val1873insTer (NM_001406719.1, NM_001406720.1); c.1910-4586del (NM_001406721.1); c.425-4586del (NM_001406722.1).
Identifiers: ClinVar variation 2816347 (VCV002816347.4), dbSNP rs2548531306, ClinGen allele CA2739277508.
Genomic context (GRCh38, chr13:32,339,971, plus strand): 5'-TTGTGTTTCACATGAAACAATTAAAAAAGTGAAAGACATATTTACAGACAGTTTCAGTAA[AG>A]TAATTAAGGAAAACAACGAGAATAAATCAAAAATTTGCCAAACGAAAATTATGGCAGGTT-3'

ClinVar aggregate classification (germline): Pathogenic. Review status: criteria provided, multiple submitters, no conflicts (2 of 4 stars). 2 submissions from 2 submitters: Pathogenic (2). Last evaluated 2025-06-16.

Conditions:
Hereditary breast ovarian cancer syndrome. Also called: Hereditary breast and ovarian cancer; BRCA1- and BRCA2-Associated Hereditary Breast and Ovarian Cancer; Hereditary breast and ovarian cancer syndrome; Breast and ovarian cancer; Hereditary breast and ovarian cancer syndrome (HBOC); Hereditary breast and/or ovarian cancer syndrome. Identifiers: Orphanet 145, MedGen C0677776, MeSH D061325, MONDO:0003582. Disease mechanism: loss of function.
Hereditary cancer-predisposing syndrome. Also called: Neoplastic Syndromes, Hereditary; Tumor predisposition; Hereditary Cancer Syndrome; Hereditary neoplastic syndrome. Identifiers: Orphanet 140162, MedGen C0027672, MeSH D009386, MONDO:0015356.

Submissions (2):

Ambry Genetics
Classification: Pathogenic for Hereditary cancer-predisposing syndrome. Last evaluated: 2025-06-16. Review status: criteria provided, single submitter. Criteria: Ambry Variant Classification Scheme 2023. Collection method: clinical testing. Allele origin: germline.
Comment: The c.5617delG pathogenic mutation, located in coding exon 10 of the BRCA2 gene, results from a deletion of one nucleotide at nucleotide position 5617, causing a translational frameshift with a predicted alternate stop codon (p.V1873*). This variant is considered to be rare based on population cohorts in the Genome Aggregation Database (gnomAD). This alteration is expected to result in loss of function by premature protein truncation or nonsense-mediated mRNA decay. As such, this alteration is interpreted as a disease-causing mutation.

Labcorp Genetics (formerly Invitae), Labcorp
Classification: Pathogenic for Hereditary breast ovarian cancer syndrome. Last evaluated: 2023-05-02. Review status: criteria provided, single submitter. Criteria: Invitae Variant Classification Sherloc (09022015). Collection method: clinical testing. Allele origin: germline.
Comment: This sequence change creates a premature translational stop signal (p.Val1873*) in the BRCA2 gene. It is expected to result in an absent or disrupted protein product. Loss-of-function variants in BRCA2 are known to be pathogenic (PMID: 20104584). This variant is not present in population databases (gnomAD no frequency). This variant has not been reported in the literature in individuals affected with BRCA2-related conditions. For these reasons, this variant has been classified as Pathogenic.

Literature cited by the submitters: PubMed 20104584 (cited by Labcorp Genetics (formerly Invitae), Labcorp).